The following is an entry in ClinVar:

NM_004369.4(COL6A3):c.6290G>A (p.Arg2097Gln)

Genes: COL6A3 (collagen type VI alpha 3 chain; minus strand), LOC122889011 (Sharpr-MPRA regulatory region 1020; plus strand). Cytogenetic location: 2q37.3.
Variant type: single nucleotide variant.
Coding change: c.6290G>A on transcript NM_004369.4 (MANE Select); coding-DNA position 6290, G replaced by A.
Protein change: p.Arg2097Gln; replaces arginine 2097 with glutamine.
Molecular consequence: missense variant.
Genome position (GRCh38, 1-based): chr2:237,359,381, C>T on the plus strand (G>A on the coding strand, the complement: COL6A3 is on the minus strand). VCF-style: chr2-237359381-C-T. GRCh37 (hg19) VCF-style: chr2-238268024-C-T.
Other names: c.4469G>A, p.Arg1490Gln (NM_057166.5); c.5672G>A, p.Arg1891Gln (NM_057167.4); c.6290G>A (NM_004369.3); short protein forms R2097Q, R1490Q, R1891Q.
Identifiers: ClinVar variation 595722 (VCV000595722.11), dbSNP rs79375816, ClinGen allele CA2188355.

ClinVar aggregate classification (germline): Uncertain significance. Review status: criteria provided, multiple submitters, no conflicts (2 of 4 stars). 3 submissions from 3 submitters: Uncertain significance (3). Last evaluated 2024-04-17.

Conditions:
Bethlem myopathy 1A. Also called: Bethlem myopathy 1; MYOPATHY, BENIGN CONGENITAL, WITH CONTRACTURES; Bethlem Muscular Dystrophy. Identifiers: Orphanet 610, MedGen CN029274, MONDO:0024530, OMIM 158810.

gnomAD v4.1: 29 of 1,613,814 alleles (0.0018%); highest among the groups gnomAD compares: South Asian, 0.0033%; no homozygotes.

Submissions (3):

Labcorp Genetics (formerly Invitae), Labcorp
Classification: Uncertain significance for Bethlem myopathy 1A. Last evaluated: 2024-04-17. Review status: criteria provided, single submitter. Criteria: Invitae Variant Classification Sherloc (09022015). Collection method: clinical testing. Allele origin: germline.
Comment: This sequence change replaces arginine, which is basic and polar, with glutamine, which is neutral and polar, at codon 2097 of the COL6A3 protein (p.Arg2097Gln). This variant is present in population databases (rs79375816, gnomAD 0.007%). This variant has not been reported in the literature in individuals affected with COL6A3-related conditions. ClinVar contains an entry for this variant (Variation ID: 595722). Advanced modeling of protein sequence and biophysical properties (such as structural, functional, and spatial information, amino acid conservation, physicochemical variation, residue mobility, and thermodynamic stability) performed at Invitae indicates that this missense variant is expected to disrupt COL6A3 protein function with a positive predictive value of 80%. In summary, the available evidence is currently insufficient to determine the role of this variant in disease. Therefore, it has been classified as a Variant of Uncertain Significance.

GeneDx
Classification: Uncertain significance. Last evaluated: 2022-12-08. Review status: criteria provided, single submitter. Criteria: GeneDx Variant Classification Process June 2021. Collection method: clinical testing. Allele origin: germline. Affected: yes.
Comment: In silico analysis supports that this missense variant has a deleterious effect on protein structure/function; Has not been previously published as pathogenic or benign to our knowledge

Eurofins Ntd Llc (ga)
Classification: Uncertain significance. Last evaluated: 2018-01-11. Review status: criteria provided, single submitter. Criteria: EGL Classification Definitions 2015. Collection method: clinical testing. Allele origin: germline. Observed: 1 variant allele, 1 heterozygote.